The following is an entry in ClinVar:

NM_000261.2(MYOC):c.573T>A (p.Thr191=)

Gene: MYOC (myocilin; minus strand). Cytogenetic location: 1q24.3.
Variant type: single nucleotide variant.
Coding change: c.573T>A on transcript NM_000261.2 (MANE Select); coding-DNA position 573, T replaced by A.
Protein change: p.Thr191=; no amino-acid change (threonine 191 retained).
Molecular consequence: synonymous variant.
Genome position (GRCh38, 1-based): chr1:171,652,039, A>T on the plus strand (T>A on the coding strand, the complement: MYOC is on the minus strand). VCF-style: chr1-171652039-A-T. GRCh37 (hg19) VCF-style: chr1-171621179-A-T.
Other names: NM_000261.2(MYOC):c.573T>A; p.Thr191=.
Identifiers: ClinVar variation 877000 (VCV000877000.6), dbSNP rs145981631, ClinGen allele CA1244254.

ClinVar aggregate classification (germline): Uncertain significance. Review status: reviewed by expert panel (3 of 4 stars). 3 submissions from 2 submitters: Uncertain significance (1). 2 of the submissions do not count toward it. Last evaluated 2025-12-03.

Conditions:
Open-angle glaucoma. Identifiers: MedGen C0017612, MONDO:0005338, HP:0012108.
Glaucoma. Identifiers: MedGen C0017601, MONDO:0005041, HP:0000501.
Glaucoma 1, open angle, A (GLC1A). Also called: Glaucoma, Dominant (Juvenile Onset). Identifiers: Orphanet 98977, MedGen C1842028, MONDO:0007664, OMIM 137750.

Allele frequency attached by ClinVar (database versions not stated): ESP Exome Variant Server 0.00008; TOPMed 0.00002.
gnomAD v4.1: 11 of 1,614,080 alleles (0.00068%); highest among the groups gnomAD compares: Non-Finnish European, 0.00085%; no homozygotes.

Submissions (3):

ClinGen Glaucoma Variant Curation Expert Panel
Classification: Uncertain significance for Open-angle glaucoma. Last evaluated: 2025-12-03. Review status: reviewed by expert panel. Criteria: ClinGen Glaucoma ACMG Specifications V2.0.0 Approved. Collection method: curation. Allele origin: germline. Inheritance: Autosomal dominant inheritance.
Comment: The c.573T>A variant in MYOC is a synonymous variant (p.Thr191=). The highest minor allele frequency of this variant was in the Remaining genetic ancestry group of gnomAD (v4.1.0) = 0.00001600 (1 alleles out of 62,486), which met the ≤ 0.0001 threshold set for PM2_Supporting in a genetic ancestry group of at least 10,000 alleles. The SpliceAI score = 0.01, which met the ≤ 0.1 threshold for BP4, suggesting that the variant does not impact MYOC function. This synonymous variant meets BP4, so BP7 is met. There was no functional evidence predicting a damaging or benign impact of this variant on MYOC function. This variant was identified in laboratory based testing, but has not yet been found in a proband with juvenile or primary open angle glaucoma. In summary, this variant met the criteria to receive a score of -1 and to be classified as a variant of uncertain significance (uncertain significance classification range -1 to 5, adapted from PMID: 32720330) for primary open angle glaucoma based on the ACMG/AMP criteria met, as specified by the ClinGen Glaucoma VCEP (v2.0.0, 5 Dec 2024): PM2_Supporting, BP4, BP7

Illumina Laboratory Services, Illumina
Classification: Uncertain significance for Glaucoma 1, open angle, A. Last evaluated: 2017-04-27. Review status: criteria provided, single submitter. Criteria: ICSL Variant Classification Criteria 13 December 2019. Collection method: clinical testing. Allele origin: germline. Not counted in ClinVar's aggregate classification.

Illumina Laboratory Services, Illumina
Classification: Uncertain significance for Glaucoma. Last evaluated: 2017-04-27. Review status: criteria provided, single submitter. Criteria: ICSL Variant Classification Criteria 13 December 2019. Collection method: clinical testing. Allele origin: germline. Not counted in ClinVar's aggregate classification.